The following is an entry in ClinVar:

NM_000038.6(APC):c.6128T>A (p.Ile2043Lys)

Gene: APC (APC regulator of Wnt signaling pathway; plus strand). Cytogenetic location: 5q22.2.
Variant type: single nucleotide variant.
Coding change: c.6128T>A on transcript NM_000038.6 (MANE Select); coding-DNA position 6128, T replaced by A.
Protein change: p.Ile2043Lys; replaces isoleucine 2043 with lysine.
Molecular consequence: missense variant.
Genome position (GRCh38, 1-based): chr5:112,841,722, T>A. VCF-style: chr5-112841722-T-A. GRCh37 (hg19) VCF-style: chr5-112177419-T-A.
Other names: c.6128T>A, p.Ile2043Lys (NM_001127510.3, NM_001354895.2); c.6074T>A, p.Ile2025Lys (NM_001127511.3); c.6182T>A, p.Ile2061Lys (NM_001354896.2); c.6158T>A, p.Ile2053Lys (NM_001354897.2); c.6053T>A, p.Ile2018Lys (NM_001354898.2); c.6044T>A, p.Ile2015Lys (NM_001354899.2); c.6005T>A, p.Ile2002Lys (NM_001354900.2); c.5951T>A, p.Ile1984Lys (NM_001354901.2); and 5 more; short protein forms I2025K, I2043K, I2002K, I1760K, I1883K, I2015K, I2018K, I2053K.
Identifiers: ClinVar variation 233247 (VCV000233247.3), dbSNP rs876660288, ClinGen allele CA10578421.

ClinVar aggregate classification (germline): Uncertain significance (1 of 4 stars; one submission).

Conditions:
Hereditary cancer-predisposing syndrome. Also called: Neoplastic Syndromes, Hereditary; Tumor predisposition; Hereditary Cancer Syndrome; Hereditary neoplastic syndrome. Identifiers: Orphanet 140162, MedGen C0027672, MeSH D009386, MONDO:0015356.

Submission:

Ambry Genetics
Classification: Uncertain significance for Hereditary cancer-predisposing syndrome. Last evaluated: 2015-08-10. Review status: criteria provided, single submitter. Criteria: Ambry Autosomal Dominant and X-Linked criteria (10/2015). Collection method: clinical testing. Allele origin: germline. Observed: 1 variant allele.
Comment: Thep.I2043Kvariant (also known as c.6128T>A), located in codingexon15 of theAPCgene, results from a T to A substitution at nucleotide position 6128. Theisoleucineatcodon2043 is replaced by lysine, an amino acid with dissimilar properties. This variant was not reported in population based cohorts in the following databases: Database of Single Nucleotide Polymorphisms (dbSNP), NHLBI ExomeSequencing Project (ESP), and 1000 Genomes Project. In the ESP, this variant was not observed in 6501 samples (13002 alleles) with coverage at this position. To date, this alteration has been detected with an allele frequency of approximately 0.003% (greater than 32000 alleles tested) in our clinical cohort. This amino acid position is highly conserved in available vertebrate species. In addition, this alteration is predicted to be probably damaging and tolerated byPolyPhenand SIFTinsilicoanalyses, respectively. Since supporting evidence is limited at this time, the clinical significance of p.I2043K remains unclear.